The following is an entry in ClinVar:

ClinVar aggregate classification (germline): Likely benign (1 of 4 stars; one submission).

Conditions:
TRPC5-related disorder. Also called: TRPC5-related condition.

Submission:

PreventionGenetics, part of Exact Sciences
Classification: Likely benign for TRPC5-related condition. Last evaluated: 2026-04-30. Review status: criteria provided, single submitter. Criteria: ACMG Guidelines, 2015. Collection method: clinical testing. Allele origin: germline.
Comment: This variant is classified as likely benign based on ACMG/AMP sequence variant interpretation guidelines (Richards et al. 2015 PMID: 25741868, with internal and published modifications).

NM_012471.3(TRPC5):c.1587A>G (p.Leu529=)

Gene: TRPC5 (transient receptor potential cation channel subfamily C member 5; minus strand). Cytogenetic location: Xq23.
Variant type: single nucleotide variant.
Coding change: c.1587A>G on transcript NM_012471.3 (MANE Select); coding-DNA position 1587, A replaced by G.
Protein change: p.Leu529=; no amino-acid change (leucine 529 retained).
Molecular consequence: synonymous variant.
Genome position (GRCh38, 1-based): chrX:111,847,227, T>C on the plus strand (A>G on the coding strand, the complement: TRPC5 is on the minus strand). VCF-style: chrX-111847227-T-C. GRCh37 (hg19) VCF-style: chrX-111090455-T-C.
Identifiers: ClinVar variation 4978484 (VCV004978484.1).